The following is an entry in ClinVar:

NM_000489.6(ATRX):c.1725A>G (p.Lys575=)

Gene: ATRX (ATRX chromatin remodeler; minus strand). Cytogenetic location: Xq21.1.
Variant type: single nucleotide variant.
Coding change: c.1725A>G on transcript NM_000489.6 (MANE Select); coding-DNA position 1725, A replaced by G.
Protein change: p.Lys575=; no amino-acid change (lysine 575 retained).
Molecular consequence: synonymous variant.
Genome position (GRCh38, 1-based): chrX:77,683,531, T>C on the plus strand (A>G on the coding strand, the complement: ATRX is on the minus strand). VCF-style: chrX-77683531-T-C. GRCh37 (hg19) VCF-style: chrX-76939023-T-C.
Other names: c.1611A>G, p.Lys537= (NM_138270.5).
Identifiers: ClinVar variation 1670800 (VCV001670800.16), dbSNP rs2148616095, ClinGen allele CA517472638.

ClinVar aggregate classification (germline): Likely benign. Review status: criteria provided, multiple submitters, no conflicts (2 of 4 stars). 2 submissions from 2 submitters: Likely benign (2). Last evaluated 2025-07-01.

Conditions:
Alpha thalassemia-X-linked intellectual disability syndrome (ATRX). Also called: ALPHA-THALASSEMIA/MENTAL RETARDATION SYNDROME, X-LINKED; ATR, NONDELETION TYPE; X-linked alpha-thalassemia-mental retardation syndrome; ATR-X syndrome; Alpha thalassemia mental retardation syndrome, nondeletion type, X-linked; XLMR hypotonic face syndrome. Identifiers: Orphanet 847, MedGen C1845055, MONDO:0010519, OMIM 301040.

gnomAD v4.1: 2 of 1,208,923 alleles (0.00017%); highest among the groups gnomAD compares: Non-Finnish European, 0.00022%; no homozygotes.

Submissions (2):

CeGaT Center for Human Genetics Tuebingen
Classification: Likely benign. Last evaluated: 2025-07-01. Review status: criteria provided, single submitter. Criteria: CeGaT Center For Human Genetics Tuebingen Variant Classification Criteria Version 2. Collection method: clinical testing. Allele origin: germline. Affected: yes. Observed: 1 variant allele.
Comment: ATRX: BP4, BP7

Labcorp Genetics (formerly Invitae), Labcorp
Classification: Likely benign for Alpha thalassemia-X-linked intellectual disability syndrome. Last evaluated: 2021-02-15. Review status: criteria provided, single submitter. Criteria: Invitae Variant Classification Sherloc (09022015). Collection method: clinical testing. Allele origin: germline.